The following is an entry in ClinVar:

NM_020879.3(CCDC146):c.2112del (p.Arg704fs)

Gene: CCDC146 (coiled-coil domain containing 146; plus strand). Cytogenetic location: 7q11.23.
Variant type: Deletion.
Coding change: c.2112del on transcript NM_020879.3 (MANE Select); coding-DNA position 2112, one base deleted (G; older notation c.2112delG).
Protein change: p.Arg704fs; shifts the reading frame from arginine 704.
Molecular consequence: frameshift variant.
Genome position (GRCh38, 1-based): chr7:77,282,749, G deleted; the last of 2 consecutive G bases (chr7:77,282,748-77,282,749); deleting either gives the same sequence. VCF-style (leftmost placement, unchanged base first): chr7-77282747-AG-A. GRCh37 (hg19) VCF-style: chr7-76912064-AG-A.
Other names: p.(Arg704SerfsTer7); short protein forms R704fs.
Identifiers: ClinVar variation 2687891 (VCV002687891.4), dbSNP rs1327651159, ClinGen allele CA842423622.
Genomic context (GRCh38, chr7:77,282,747, plus strand): 5'-ATGAAGATTGCTGAGAAGCAAAGACAAATTTGTGTGACCCAGAAATTACTGCCAGCCAAG[AG>A]GTCCCTGGATGCCGACCTAGCTGTGCTCCAAATTCAGGTGGGTGAGTGATCACGGGACAC-3'

ClinVar aggregate classification (germline): Pathogenic. Review status: no assertion criteria provided (0 of 4 stars). 3 submissions from 2 submitters: Pathogenic (3). Last evaluated 2024-06-11.

Conditions:
Male infertility with spermatogenesis disorder due to single gene mutation. Identifiers: Orphanet 399786, MedGen C5681166, MONDO:0018392.
Male infertility due to sperm motility disorder. Identifiers: Orphanet 399813, MedGen C5680032, MONDO:0018395.
Spermatogenic failure 94. Identifiers: MedGen C5935627, MONDO:0971002, OMIM 620850.

Submissions (3):

OMIM
Classification: Pathogenic for SPERMATOGENIC FAILURE 94. Last evaluated: 2024-06-11. Review status: no assertion criteria provided. Collection method: literature only. Allele origin: germline.

Genetics of Infertility and Preimplantation Genetic Diagnosis, Centre Hospitalier Universitaire Grenoble Alpes
Classification: Pathogenic for Male infertility due to sperm motility disorder. Last evaluated: 2024-02-07. Review status: no assertion criteria provided. Collection method: clinical testing. Allele origin: biparental. Affected: yes.
Comment: homozygous variant

Genetics of Infertility and Preimplantation Genetic Diagnosis, Centre Hospitalier Universitaire Grenoble Alpes
Classification: Pathogenic for Male infertility with spermatogenesis disorder due to single gene mutation. Last evaluated: 2024-01-26. Review status: no assertion criteria provided. Collection method: clinical testing. Allele origin: biparental. Inheritance: Autosomal recessive inheritance. Affected: yes. Observed: 1 homozygote.

Literature cited by the submitters: PubMed 38441556 (cited by OMIM); DOI 10.7554/eLife.86845.2 (cited by Genetics of Infertility and Preimplantation Genetic Diagnosis, Centre Hospitalier Universitaire Grenoble Alpes).